The following is an entry in ClinVar:

NM_182961.4(SYNE1):c.13102G>A (p.Ala4368Thr)

Gene: SYNE1 (spectrin repeat containing nuclear envelope protein 1; minus strand). Cytogenetic location: 6q25.2.
Variant type: single nucleotide variant.
Coding change: c.13102G>A on transcript NM_182961.4 (MANE Select); coding-DNA position 13102, G replaced by A.
Protein change: p.Ala4368Thr; replaces alanine 4368 with threonine.
Molecular consequence: missense variant.
Genome position (GRCh38, 1-based): chr6:152,331,583, C>T on the plus strand (G>A on the coding strand, the complement: SYNE1 is on the minus strand). VCF-style: chr6-152331583-C-T. GRCh37 (hg19) VCF-style: chr6-152652718-C-T.
Other names: c.12889G>A, p.Ala4297Thr (NM_033071.5); short protein forms A4368T, A4297T.
Identifiers: ClinVar variation 290449 (VCV000290449.16), dbSNP rs201900423, ClinGen allele CA4056246.
Genomic context (GRCh38, chr6:152,331,583, plus strand): 5'-GGTGATCCATGAGAAGGTTCTGAGCCATATCTGGAGGAGGGCTCTGCTTAAGGGCCTCGG[C>T]GATGTTGGGTTGTTGCTCTTCTGCCCACTCCATTAGCTCCTGAAATCTGGACTGCACCAC-3'
Protein context (NP_892006.3, residues 4358-4378): EWAEEQQPNI[Ala4368Thr]EALKQSPPPD

ClinVar aggregate classification (germline): Uncertain significance. Review status: criteria provided, multiple submitters, no conflicts (2 of 4 stars). 4 submissions from 4 submitters: Uncertain significance (4). Last evaluated 2026-01-12.

Conditions:
Autosomal recessive ataxia, Beauce type. Also called: Spinocerebellar ataxia, autosomal recessive 8; ATAXIA, RECESSIVE, OF BEAUCE; SYNE1 Deficiency; SYNE1-Related Autosomal Recessive Cerebellar Ataxia. Identifiers: Orphanet 88644, MedGen C1853116, MONDO:0012549, OMIM 610743.
Emery-Dreifuss muscular dystrophy 4, autosomal dominant (EDMD4). Also called: EMERY-DREIFUSS MUSCULAR DYSTROPHY 4 WITH VARIABLE FEATURES. Identifiers: Orphanet 261, MedGen C2751807, MONDO:0013071, OMIM 612998.

Allele frequency attached by ClinVar (database versions not stated): gnomAD 0.00006; TOPMed 0.00008; 1000 Genomes Project 0.00020; 1000 Genomes Project 30x 0.00031.
gnomAD v4.1: 50 of 1,614,138 alleles (0.0031%); highest among the groups gnomAD compares: African/African-American, 0.011%; no homozygotes.

Submissions (4):

Labcorp Genetics (formerly Invitae), Labcorp
Classification: Uncertain significance for Emery-Dreifuss muscular dystrophy 4, autosomal dominant; Autosomal recessive ataxia, Beauce type. Last evaluated: 2026-01-12. Review status: criteria provided, single submitter. Criteria: Invitae Variant Classification Sherloc (09022015). Collection method: clinical testing. Allele origin: germline.
Comment: This sequence change replaces alanine, which is neutral and non-polar, with threonine, which is neutral and polar, at codon 4297 of the SYNE1 protein (p.Ala4297Thr). This variant is present in population databases (rs201900423, gnomAD 0.02%). This variant has not been reported in the literature in individuals affected with SYNE1-related conditions. ClinVar contains an entry for this variant (Variation ID: 290449). An algorithm developed to predict the effect of missense changes on protein structure and function outputs the following: PolyPhen-2: "Benign". The threonine amino acid residue is found in multiple mammalian species, which suggests that this missense change does not adversely affect protein function. In summary, the available evidence is currently insufficient to determine the role of this variant in disease. Therefore, it has been classified as a Variant of Uncertain Significance.

Revvity Omics, Revvity
Classification: Uncertain significance. Last evaluated: 2024-03-12. Review status: criteria provided, single submitter. Criteria: ACMG Guidelines, 2015. Collection method: clinical testing. Allele origin: germline.

GeneDx
Classification: Uncertain significance. Last evaluated: 2022-12-19. Review status: criteria provided, single submitter. Criteria: GeneDx Variant Classification Process June 2021. Collection method: clinical testing. Allele origin: germline. Affected: yes.
Comment: In silico analysis supports that this missense variant does not alter protein structure/function; Has not been previously published as pathogenic or benign to our knowledge

Eurofins Ntd Llc (ga)
Classification: Uncertain significance. Last evaluated: 2017-11-09. Review status: criteria provided, single submitter. Criteria: EGL Classification Definitions 2015. Collection method: clinical testing. Allele origin: germline. Observed: 2 variant alleles, 2 heterozygotes.